The following is an entry in ClinVar:

ClinVar aggregate classification (germline): Uncertain significance (1 of 4 stars; one submission).

Conditions:
Melnick-Fraser syndrome (BOR). Also called: Branchiootorenal syndrome; Branchio-oto-renal syndrome; Branchiootorenal Syndrome (BORS). Identifiers: Orphanet 107, MedGen C0265234, MONDO:0007029.

gnomAD v4.1: 1 of 1,613,618 alleles (0.000062%); highest among the groups gnomAD compares: Admixed American, 0.0017%; no homozygotes.

Submission:

Labcorp Genetics (formerly Invitae), Labcorp
Classification: Uncertain significance for Melnick-Fraser syndrome. Last evaluated: 2021-04-05. Review status: criteria provided, single submitter. Criteria: Invitae Variant Classification Sherloc (09022015). Collection method: clinical testing. Allele origin: germline.
Comment: Algorithms developed to predict the effect of missense changes on protein structure and function are either unavailable or do not agree on the potential impact of this missense change (SIFT: "Deleterious"; PolyPhen-2: "Possibly Damaging"; Align-GVGD: "Class C0"). This sequence change replaces serine with cysteine at codon 19 of the EYA1 protein (p.Ser19Cys). The serine residue is moderately conserved and there is a moderate physicochemical difference between serine and cysteine. This variant is not present in population databases (ExAC no frequency). This variant has not been reported in the literature in individuals with EYA1-related conditions. In summary, the available evidence is currently insufficient to determine the role of this variant in disease. Therefore, it has been classified as a Variant of Uncertain Significance.

NM_000503.6(EYA1):c.56C>G (p.Ser19Cys)

Gene: EYA1 (EYA transcriptional coactivator and phosphatase 1; minus strand). Cytogenetic location: 8q13.3.
Variant type: single nucleotide variant.
Coding change: c.56C>G on transcript NM_000503.6 (MANE Select); coding-DNA position 56, C replaced by G.
Protein change: p.Ser19Cys; replaces serine 19 with cysteine.
Molecular consequence: missense variant. On other transcripts: 5 prime UTR variant (1).
Genome position (GRCh38, 1-based): chr8:71,354,850, G>C on the plus strand (C>G on the coding strand, the complement: EYA1 is on the minus strand). VCF-style: chr8-71354850-G-C. GRCh37 (hg19) VCF-style: chr8-72267085-G-C.
Other names: c.56C>G, p.Ser19Cys (NM_001288574.2, NM_001370334.1, NM_001370335.1 and 1 more transcripts); c.-229C>G (NM_001288575.2); c.143C>G, p.Ser48Cys (NM_001370333.1, NM_001370336.1, NM_172059.5); short protein forms S48C, S19C.
Identifiers: ClinVar variation 1419465 (VCV001419465.8), dbSNP rs2129069830, ClinGen allele CA371529501.